The following is an entry in ClinVar:

NM_003238.6(TGFB2):c.297C>T (p.Tyr99=)

Gene: TGFB2 (transforming growth factor beta 2; plus strand). Cytogenetic location: 1q41.
Variant type: single nucleotide variant.
Coding change: c.297C>T on transcript NM_003238.6 (MANE Select); coding-DNA position 297, C replaced by T.
Protein change: p.Tyr99=; no amino-acid change (tyrosine 99 retained).
Molecular consequence: synonymous variant. On other transcripts: non-coding transcript variant (2).
Genome position (GRCh38, 1-based): chr1:218,346,998, C>T. VCF-style: chr1-218346998-C-T. GRCh37 (hg19) VCF-style: chr1-218520340-C-T.
Other names: c.297C>T, p.Tyr99= (NM_001135599.4).
Identifiers: ClinVar variation 382818 (VCV000382818.14), dbSNP rs760759052, ClinGen allele CA1398399.

ClinVar aggregate classification (germline): Likely benign. Review status: criteria provided, multiple submitters, no conflicts (2 of 4 stars). 3 submissions from 3 submitters: Likely benign (3). Last evaluated 2025-12-10.

Conditions:
Loeys-Dietz syndrome 4 (LDS4). Also called: TGFB2-Related Loeys-Dietz Syndrome; ANEURYSM, AORTIC AND CEREBRAL, WITH ARTERIAL TORTUOSITY AND SKELETAL MANIFESTATIONS. Identifiers: MedGen C3553762, MONDO:0013897, OMIM 614816.
Familial thoracic aortic aneurysm and aortic dissection (TAAD). Also called: Thoracic aortic aneurysms and dissections. Identifiers: Orphanet 91387, MedGen C4707243, MONDO:0019625.

Allele frequency attached by ClinVar (database versions not stated): gnomAD exomes 0.00002; ExAC 0.00004; TOPMed 0.00008; gnomAD 0.00010 and 0.00011.
gnomAD v4.1: 42 of 1,611,246 alleles (0.0026%); highest among the groups gnomAD compares: African/African-American, 0.021%; no homozygotes.

Submissions (3):

Labcorp Genetics (formerly Invitae), Labcorp
Classification: Likely benign for Loeys-Dietz syndrome 4. Last evaluated: 2025-12-10. Review status: criteria provided, single submitter. Criteria: Invitae Variant Classification Sherloc (09022015). Collection method: clinical testing. Allele origin: germline.

Ambry Genetics
Classification: Likely benign for Familial thoracic aortic aneurysm and aortic dissection. Last evaluated: 2020-07-07. Review status: criteria provided, single submitter. Criteria: Ambry Variant Classification Scheme 2023. Collection method: clinical testing. Allele origin: germline.

GeneDx
Classification: Likely benign. Last evaluated: 2016-01-04. Review status: criteria provided, single submitter. Criteria: GeneDx Variant Classification (06012015). Collection method: clinical testing. Allele origin: germline. Affected: yes.
Comment: This variant is considered likely benign or benign based on one or more of the following criteria: it is a conservative change, it occurs at a poorly conserved position in the protein, it is predicted to be benign by multiple in silico algorithms, and/or has population frequency not consistent with disease.